The following is an entry in ClinVar:

ClinVar aggregate classification (germline): Uncertain significance. Review status: criteria provided, multiple submitters, no conflicts (2 of 4 stars). 2 submissions from 2 submitters: Uncertain significance (2). Last evaluated 2025-06-02.

Conditions:
Brugada syndrome. Also called: Sudden unexplained nocturnal death syndrome; Sudden Unexplained Death Syndrome; Sudden Unexplained Nocturnal Death Syndrome (SUNDS); Sudden unexpected nocturnal death syndrome. Identifiers: Orphanet 130, MedGen C1142166, MONDO:0015263.
SCN10A-related disorder. Also called: SCN10A-related condition.

Allele frequency attached by ClinVar (database versions not stated): TOPMed below 0.00001; ExAC 0.00001; gnomAD 0.00001.
gnomAD v4.1: 5 of 1,614,062 alleles (0.00031%); highest among the groups gnomAD compares: Middle Eastern, 0.017%; no homozygotes.

Submissions (2):

PreventionGenetics, part of Exact Sciences
Classification: Uncertain significance for SCN10A-related condition. Last evaluated: 2025-06-02. Review status: criteria provided, single submitter. Criteria: ACMG Guidelines, 2015. Collection method: clinical testing. Allele origin: germline.
Comment: The SCN10A c.635C>T variant is predicted to result in the amino acid substitution p.Ser212Leu. This variant was reported in an individual with Brugada syndrome (Supplemental Table 2 in Di Resta et al. 2015. PubMed ID: 26220970). This variant is reported in 0.00088% of alleles in individuals of European (Non-Finnish) descent in gnomAD. At this time, the clinical significance of this variant is uncertain due to the absence of conclusive functional and genetic evidence.

Labcorp Genetics (formerly Invitae), Labcorp
Classification: Uncertain significance for Brugada syndrome. Last evaluated: 2022-05-03. Review status: criteria provided, single submitter. Criteria: Invitae Variant Classification Sherloc (09022015). Collection method: clinical testing. Allele origin: germline.
Comment: In summary, the available evidence is currently insufficient to determine the role of this variant in disease. Therefore, it has been classified as a Variant of Uncertain Significance. Advanced modeling of protein sequence and biophysical properties (such as structural, functional, and spatial information, amino acid conservation, physicochemical variation, residue mobility, and thermodynamic stability) performed at Invitae indicates that this missense variant is expected to disrupt SCN10A protein function. This missense change has been observed in individual(s) with Brugada syndrome (PMID: 26220970). This variant is present in population databases (rs779471280, gnomAD 0.0009%). This sequence change replaces serine, which is neutral and polar, with leucine, which is neutral and non-polar, at codon 212 of the SCN10A protein (p.Ser212Leu).

Literature cited by the submitters: PubMed 26220970 (cited by Labcorp Genetics (formerly Invitae), Labcorp).

NM_006514.4(SCN10A):c.635C>T (p.Ser212Leu)

Gene: SCN10A (sodium voltage-gated channel alpha subunit 10; minus strand). Cytogenetic location: 3p22.2.
Variant type: single nucleotide variant.
Coding change: c.635C>T on transcript NM_006514.4 (MANE Select); coding-DNA position 635, C replaced by T.
Protein change: p.Ser212Leu; replaces serine 212 with leucine.
Molecular consequence: missense variant.
Genome position (GRCh38, 1-based): chr3:38,763,561, G>A on the plus strand (C>T on the coding strand, the complement: SCN10A is on the minus strand). VCF-style: chr3-38763561-G-A. GRCh37 (hg19) VCF-style: chr3-38805052-G-A.
Other names: c.635C>T, p.Ser212Leu (NM_001293306.2, NM_001293307.2); c.635C>T (NM_006514.3); short protein forms S212L.
Identifiers: ClinVar variation 1444307 (VCV001444307.7), dbSNP rs779471280, ClinGen allele CA2321124.
Genomic context (GRCh38, chr3:38,763,561, plus strand): 5'-TCACCTGGGATCACAGAAACTGTTTTTAATGCTCTAAGAACTCTGAATGTCCGCAGGCCT[G>A]AGATCCCACGGAGATCTATTGCTGTGCCAACATATCTGTAGGACCAGAAGTTAGTCAGCA-3'
Protein context (NP_006505.4, residues 202-222): VGTAIDLRGI[Ser212Leu]GLRTFRVLRA